The following is an entry in ClinVar:

ClinVar aggregate classification (germline): Uncertain significance. Review status: criteria provided, multiple submitters, no conflicts (2 of 4 stars). 2 submissions from 2 submitters: Uncertain significance (2). Last evaluated 2025-09-22.

Allele frequency attached by ClinVar (database versions not stated): TOPMed below 0.00001; gnomAD exomes 0.00001; ExAC 0.00003.

Submissions (2):

Women's Health and Genetics/Laboratory Corporation of America, LabCorp
Classification: Uncertain significance. Last evaluated: 2025-09-22. Review status: criteria provided, single submitter. Criteria: LabCorp Variant Classification Summary - May 2015. Collection method: clinical testing. Allele origin: germline.
Comment: Variant summary: PNPT1 c.174A>G (p.Ile58Met) results in a conservative amino acid change in the encoded protein sequence. Algorithms developed to predict the effect of missense changes on protein structure and function are either unavailable or do not agree on the potential impact of this missense change. The variant allele was found at a frequency of 2.9e-05 in 240034 control chromosomes. The available data on variant occurrences in the general population are insufficient to allow any conclusion about variant significance. To our knowledge, no occurrence of c.174A>G in individuals affected with PNPT1-related conditions and no experimental evidence demonstrating its impact on protein function have been reported. ClinVar contains an entry for this variant (Variation ID: 1900342). Based on the evidence outlined above, the variant was classified as uncertain significance.

Labcorp Genetics (formerly Invitae), Labcorp
Classification: Uncertain significance. Last evaluated: 2022-08-20. Review status: criteria provided, single submitter. Criteria: Invitae Variant Classification Sherloc (09022015). Collection method: clinical testing. Allele origin: germline.
Comment: This sequence change replaces isoleucine, which is neutral and non-polar, with methionine, which is neutral and non-polar, at codon 58 of the PNPT1 protein (p.Ile58Met). This variant is present in population databases (rs746769778, gnomAD 0.01%). This variant has not been reported in the literature in individuals affected with PNPT1-related conditions. Advanced modeling of protein sequence and biophysical properties (such as structural, functional, and spatial information, amino acid conservation, physicochemical variation, residue mobility, and thermodynamic stability) performed at Invitae indicates that this missense variant is not expected to disrupt PNPT1 protein function. In summary, the available evidence is currently insufficient to determine the role of this variant in disease. Therefore, it has been classified as a Variant of Uncertain Significance.

NM_033109.5(PNPT1):c.174A>G (p.Ile58Met)

Gene: PNPT1 (polyribonucleotide nucleotidyltransferase 1; minus strand). Cytogenetic location: 2p16.1.
Variant type: single nucleotide variant.
Coding change: c.174A>G on transcript NM_033109.5 (MANE Select); coding-DNA position 174, A replaced by G.
Protein change: p.Ile58Met; replaces isoleucine 58 with methionine.
Molecular consequence: missense variant.
Genome position (GRCh38, 1-based): chr2:55,687,693, T>C on the plus strand (A>G on the coding strand, the complement: PNPT1 is on the minus strand). VCF-style: chr2-55687693-T-C. GRCh37 (hg19) VCF-style: chr2-55914828-T-C.
Other names: short protein forms I58M.
Identifiers: ClinVar variation 1900342 (VCV001900342.3), dbSNP rs746769778, ClinGen allele CA1668594.